The following is an entry in ClinVar:

ClinVar aggregate classification (germline): Pathogenic. Review status: criteria provided, multiple submitters, no conflicts (2 of 4 stars). 2 submissions from 2 submitters: Pathogenic (2). Last evaluated 2024-10-29.

Conditions:
Congenital hyperammonemia, type I. Also called: Carbamoyl phosphate synthetase I deficiency disease; Carbamoyl-phosphate synthase I deficiency; Carbamoyl phosphate synthetase 1 deficiency; Hyperammonemia due to carbamoyl phosphate synthetase 1 deficiency; CPS 1 deficiency; Carbamyl phosphate synthetase (CPS) deficiency. Identifiers: Orphanet 147, MedGen C4082171, MONDO:0009376, OMIM 237300.

Submissions (2):

Natera, Inc.
Classification: Pathogenic for Carbamoyl-phosphate synthase I deficiency. Last evaluated: 2024-10-29. Review status: criteria provided, single submitter. Criteria: Natera Variant Classification Schema (03/2026). Collection method: clinical testing. Allele origin: germline.
Comment: The c.3910_3913del variant in CPS1 is a frameshift variant predicted to shift the reading frame beginning at codon 1304 and leads to a stop codon 14 codons downstream. This variant is expected to result in nonsense mediated decay, truncation, or a dysfunctional protein product. This variant is rare in the general population with a frequency below the threshold expected for the associated phenotype(s). This variant has been observed in one or more individuals affected with the associated recessive disease, as either homozygous or compound heterozygous with a second variant (PMID: 33309754). Given the available evidence, this variant is classified as Pathogenic.

Labcorp Genetics (formerly Invitae), Labcorp
Classification: Pathogenic for Congenital hyperammonemia, type I. Last evaluated: 2023-06-17. Review status: criteria provided, single submitter. Criteria: Invitae Variant Classification Sherloc (09022015). Collection method: clinical testing. Allele origin: germline.
Comment: For these reasons, this variant has been classified as Pathogenic. This premature translational stop signal has been observed in individual(s) with clinical features of carbamoyl phosphate synthetase I deficiency (PMID: 33309754). This variant is not present in population databases (gnomAD no frequency). This sequence change creates a premature translational stop signal (p.Asp1304Metfs*14) in the CPS1 gene. It is expected to result in an absent or disrupted protein product. Loss-of-function variants in CPS1 are known to be pathogenic (PMID: 21120950).

Literature cited by the submitters: PubMed 33309754 (cited by Natera, Inc. and Labcorp Genetics (formerly Invitae), Labcorp); PubMed 21120950 (cited by Labcorp Genetics (formerly Invitae), Labcorp).

NM_001875.5(CPS1):c.3910_3913del (p.Asp1304fs)

Gene: CPS1 (carbamoyl-phosphate synthase 1; plus strand). Cytogenetic location: 2q34.
Variant type: Deletion.
Coding change: c.3910_3913del on transcript NM_001875.5 (MANE Select); coding-DNA positions 3910 to 3913, 4 bases deleted (GACT; older notation c.3910_3913delGACT).
Protein change: p.Asp1304fs; shifts the reading frame from aspartic acid 1304.
Molecular consequence: frameshift variant. On other transcripts: non-coding transcript variant (2).
Genome position (GRCh38, 1-based): chr2:210,660,638-210,660,641, GACT deleted; deleting any 4 consecutive bases within chr2:210,660,636-210,660,641 gives the same sequence; the c. name uses the placement nearest the transcript's 3' end. VCF-style (leftmost placement, unchanged base first): chr2-210660635-GCTGA-G. GRCh37 (hg19) VCF-style: chr2-211525359-GCTGA-G.
Other names: c.3910_3913del (NM_001875.4); c.3910_3913del, p.Asp1304fs (NM_001122633.3, NM_001369257.1); c.3943_3946del, p.Asp1315fs (NM_001369256.1); c.3910_3913delGACT, p.Asp1304Metfs (NM_001875.4); short protein forms D1315fs, D1304fs.
Identifiers: ClinVar variation 2971435 (VCV002971435.4), dbSNP rs2469333132, ClinGen allele CA2586971156.